The following is an entry in ClinVar:

NM_172351.3(CD46):c.746A>T (p.Lys249Ile)

Gene: CD46 (CD46 molecule; plus strand). Cytogenetic location: 1q32.2.
Variant type: single nucleotide variant.
Coding change: c.746A>T on transcript NM_172351.3 (MANE Select); coding-DNA position 746, A replaced by T.
Protein change: p.Lys249Ile; replaces lysine 249 with isoleucine.
Molecular consequence: missense variant.
Genome position (GRCh38, 1-based): chr1:207,767,085, A>T. VCF-style: chr1-207767085-A-T. GRCh37 (hg19) VCF-style: chr1-207940430-A-T.
Other names: c.746A>T, p.Lys249Ile (NM_002389.4, NM_153826.4, NM_172350.3 and 8 more transcripts); short protein forms K249I.
Identifiers: ClinVar variation 2708954 (VCV002708954.3), dbSNP rs115094188, ClinGen allele CA344550918.
Genomic context (GRCh38, chr1:207,767,085, plus strand): 5'-GATTTCCAGTAGTCGAAAATGGAAAACAGATATCAGGATTTGGAAAAAAATTTTACTACA[A>T]AGCAACAGTTATGTTTGAATGCGATAAGGGTTTTTACCTCGATGGCAGCGACACAATTGT-3'
Protein context (NP_758861.1, residues 239-259): ISGFGKKFYY[Lys249Ile]ATVMFECDKG

ClinVar aggregate classification (germline): Uncertain significance (1 of 4 stars; one submission).

Submission:

Labcorp Genetics (formerly Invitae), Labcorp
Classification: Uncertain significance. Last evaluated: 2024-01-11. Review status: criteria provided, single submitter. Criteria: Invitae Variant Classification Sherloc (09022015). Collection method: clinical testing. Allele origin: germline.
Comment: This sequence change replaces lysine, which is basic and polar, with isoleucine, which is neutral and non-polar, at codon 249 of the CD46 protein (p.Lys249Ile). This variant is not present in population databases (gnomAD no frequency). This variant has not been reported in the literature in individuals affected with CD46-related conditions. Advanced modeling of protein sequence and biophysical properties (such as structural, functional, and spatial information, amino acid conservation, physicochemical variation, residue mobility, and thermodynamic stability) performed at Invitae indicates that this missense variant is expected to disrupt CD46 protein function with a positive predictive value of 80%. In summary, the available evidence is currently insufficient to determine the role of this variant in disease. Therefore, it has been classified as a Variant of Uncertain Significance.